The following is an entry in ClinVar:

NM_004360.5(CDH1):c.388-17A>T

Gene: CDH1 (cadherin 1; plus strand). Cytogenetic location: 16q22.1.
Variant type: single nucleotide variant.
Coding change: c.388-17A>T on transcript NM_004360.5 (MANE Select); 17 bases into the intron before coding-DNA position 388, A replaced by T.
Molecular consequence: intron variant.
Genome position (GRCh38, 1-based): chr16:68,808,407, A>T. VCF-style: chr16-68808407-A-T. GRCh37 (hg19) VCF-style: chr16-68842310-A-T.
Other names: c.-1228-17A>T (NM_001317185.2); c.-1432-17A>T (NM_001317186.2); c.388-17A>T (NM_001317184.2).
Identifiers: ClinVar variation 1603258 (VCV001603258.9), dbSNP rs571617503, ClinGen allele CA2573152577.

ClinVar aggregate classification (germline): Likely benign. Review status: criteria provided, multiple submitters, no conflicts (2 of 4 stars). 2 submissions from 2 submitters: Likely benign (2). Last evaluated 2025-02-26.

Conditions:
Hereditary diffuse gastric adenocarcinoma (HDGC). Also called: DIFFUSE GASTRIC AND LOBULAR BREAST CANCER SYNDROME. Identifiers: Orphanet 26106, MedGen C1708349, MONDO:0007648, OMIM 137215.

Submissions (2):

Labcorp Genetics (formerly Invitae), Labcorp
Classification: Likely benign for Hereditary diffuse gastric adenocarcinoma. Last evaluated: 2025-02-26. Review status: criteria provided, single submitter. Criteria: Invitae Variant Classification Sherloc (09022015). Collection method: clinical testing. Allele origin: germline.

Myriad Genetics, Inc.
Classification: Likely benign for Hereditary diffuse gastric adenocarcinoma. Last evaluated: 2024-09-12. Review status: criteria provided, single submitter. Criteria: Myriad Autosomal Dominant, Autosomal Recessive and X-Linked Classification Criteria (2023). Collection method: clinical testing. Allele origin: unknown.
Comment: This variant is considered likely benign. This variant is intronic and is not expected to impact mRNA splicing.